The following is an entry in ClinVar:

ClinVar aggregate classification (germline): Uncertain significance. Review status: criteria provided, multiple submitters, no conflicts (2 of 4 stars). 2 submissions from 2 submitters: Uncertain significance (2). Last evaluated 2025-04-17.

Allele frequency attached by ClinVar (database versions not stated): gnomAD exomes below 0.00001; ExAC 0.00001; TOPMed 0.00001.
gnomAD v4.1: 8 of 1,613,762 alleles (0.0005%); highest among the groups gnomAD compares: Admixed American, 0.0067%; no homozygotes.

Submissions (2):

Ambry Genetics
Classification: Uncertain significance. Last evaluated: 2025-04-17. Review status: criteria provided, single submitter. Criteria: Ambry Variant Classification Scheme 2023. Collection method: clinical testing. Allele origin: germline.
Comment: The p.R710W variant (also known as c.2128C>T), located in coding exon 14 of the RINT1 gene, results from a C to T substitution at nucleotide position 2128. The arginine at codon 710 is replaced by tryptophan, an amino acid with dissimilar properties. This alteration has been detected in cohorts of early-onset breast cancer patients (Park DJ et al. Cancer Discov, 2014 Jul;4:804-15; Young EL et al. J Med Genet, 2016 06;53:366-76). This amino acid position is highly conserved in available vertebrate species. In addition, this alteration is predicted to be deleterious by in silico analysis. Since supporting evidence is limited at this time, the clinical significance of this alteration remains unclear.

Labcorp Genetics (formerly Invitae), Labcorp
Classification: Uncertain significance. Last evaluated: 2024-04-16. Review status: criteria provided, single submitter. Criteria: Invitae Variant Classification Sherloc (09022015). Collection method: clinical testing. Allele origin: germline.
Comment: This sequence change replaces arginine, which is basic and polar, with tryptophan, which is neutral and slightly polar, at codon 710 of the RINT1 protein (p.Arg710Trp). This variant is present in population databases (rs777291719, gnomAD 0.0009%). This missense change has been observed in individual(s) with breast cancer (PMID: 25050558). ClinVar contains an entry for this variant (Variation ID: 856347). An algorithm developed to predict the effect of missense changes on protein structure and function (PolyPhen-2) suggests that this variant is likely to be disruptive. In summary, the available evidence is currently insufficient to determine the role of this variant in disease. Therefore, it has been classified as a Variant of Uncertain Significance.

Literature cited by the submitters: PubMed 25050558 (cited by Ambry Genetics and Labcorp Genetics (formerly Invitae), Labcorp); PubMed 26787654 (cited by Ambry Genetics).

NM_021930.6(RINT1):c.2128C>T (p.Arg710Trp)

Genes: EFCAB10 (EF-hand calcium binding domain 10; minus strand), RINT1 (RAD50 interactor 1; plus strand). Cytogenetic location: 7q22.3.
Variant type: single nucleotide variant.
Coding change: c.2128C>T on transcript NM_021930.6 (MANE Select); coding-DNA position 2128, C replaced by T.
Protein change: p.Arg710Trp; replaces arginine 710 with tryptophan.
Molecular consequence: missense variant. On other transcripts: non-coding transcript variant (1), intron variant (2).
Genome position (GRCh38, 1-based): chr7:105,565,590, C>T. VCF-style: chr7-105565590-C-T. GRCh37 (hg19) VCF-style: chr7-105206037-C-T.
Other names: c.409G>A, p.Glu137Lys (NM_001355530.2); c.1894C>T, p.Arg632Trp (NM_001346599.2); c.1105C>T, p.Arg369Trp (NM_001346600.2, NM_001346603.2); c.1204C>T, p.Arg402Trp (NM_001346601.2); c.360-143G>A (NM_001355531.2); c.384-143G>A (NM_001355526.2); short protein forms E137K, R369W, R632W, R402W, R710W.
Identifiers: ClinVar variation 856347 (VCV000856347.13), dbSNP rs777291719, ClinGen allele CA4426876.